The following is an entry in ClinVar:

ClinVar aggregate classification (germline): Benign/Likely benign. Review status: criteria provided, multiple submitters, no conflicts (2 of 4 stars). 3 submissions from 3 submitters: Benign (2); Likely benign (1). Last evaluated 2026-07-01.

Conditions:
Inborn genetic diseases. Identifiers: MedGen C0950123, MeSH D030342.

Allele frequency attached by ClinVar (database versions not stated): gnomAD exomes 0.00009; gnomAD 0.00014 and 0.00018; TOPMed 0.00024; ExAC 0.00034.

Submissions (3):

CeGaT Center for Human Genetics Tuebingen
Classification: Likely benign. Last evaluated: 2026-07-01. Review status: criteria provided, single submitter. Criteria: CeGaT Center For Human Genetics Tuebingen Variant Classification Criteria Version 2. Collection method: clinical testing. Allele origin: germline. Affected: yes. Observed: 1 variant allele.
Comment: FGD1: BP4, BP7

Labcorp Genetics (formerly Invitae), Labcorp
Classification: Benign. Last evaluated: 2025-08-25. Review status: criteria provided, single submitter. Criteria: Invitae Variant Classification Sherloc (09022015). Collection method: clinical testing. Allele origin: germline.

Ambry Genetics
Classification: Benign for Inborn genetic diseases. Last evaluated: 2019-11-05. Review status: criteria provided, single submitter. Criteria: Ambry Variant Classification Scheme 2023. Collection method: clinical testing. Allele origin: germline.

NM_004463.3(FGD1):c.501C>T (p.Tyr167=)

Gene: FGD1 (FYVE, RhoGEF and PH domain containing 1; minus strand). Cytogenetic location: Xp11.22.
Variant type: single nucleotide variant.
Coding change: c.501C>T on transcript NM_004463.3 (MANE Select); coding-DNA position 501, C replaced by T.
Protein change: p.Tyr167=; no amino-acid change (tyrosine 167 retained).
Molecular consequence: synonymous variant.
Genome position (GRCh38, 1-based): chrX:54,470,741, G>A on the plus strand (C>T on the coding strand, the complement: FGD1 is on the minus strand). VCF-style: chrX-54470741-G-A. GRCh37 (hg19) VCF-style: chrX-54497174-G-A.
Identifiers: ClinVar variation 731821 (VCV000731821.9), dbSNP rs781319873, ClinGen allele CA10425260.
Genomic context (GRCh38, chrX:54,470,741, plus strand): 5'-TGGGCGTGATGGTGGAGGGGGGATGGGCTCCAGTGGGGGGGGCATCCGGGGCATCTGCAG[G>A]TAGCTGGGCTTTGGGGGCACTGGAGAGACGAATGGGGAAGAGAGAAGGGAGACATCAGTG-3'
Protein context (NP_004454.2, residues 157-177): PKPQVPPKPS[Tyr167=]LQMPRMPPPL